The following is an entry in ClinVar:

NM_031448.6(C19orf12):c.221C>G (p.Pro74Arg)

Gene: C19orf12 (chromosome 19 open reading frame 12; minus strand). Cytogenetic location: 19q12.
Variant type: single nucleotide variant.
Coding change: c.221C>G on transcript NM_031448.6 (MANE Select); coding-DNA position 221, C replaced by G.
Protein change: p.Pro74Arg; replaces proline 74 with arginine.
Molecular consequence: missense variant.
Genome position (GRCh38, 1-based): chr19:29,702,917, G>C on the plus strand (C>G on the coding strand, the complement: C19orf12 is on the minus strand). VCF-style: chr19-29702917-G-C. GRCh37 (hg19) VCF-style: chr19-30193824-G-C.
Other names: c.221C>G, p.Pro74Arg (NM_001031726.4, NM_001256046.3, NM_001256047.2); c.29C>G, p.Pro10Arg (NM_001282929.1, NM_001282930.3, NM_001282931.3); short protein forms P10R, P74R.
Identifiers: ClinVar variation 1682828 (VCV001682828.28), dbSNP rs747900430, ClinGen allele CA9351910.

ClinVar aggregate classification (germline): Uncertain significance. Review status: criteria provided, multiple submitters, no conflicts (2 of 4 stars). 2 submissions from 2 submitters: Uncertain significance (2). Last evaluated 2024-05-29.

Conditions:
Hereditary spastic paraplegia 43. Also called: Spastic paraplegia 43, autosomal recessive. Identifiers: Orphanet 320370, MedGen C2680446, MONDO:0014024, OMIM 615043.

Allele frequency attached by ClinVar (database versions not stated): gnomAD 0.00001; TOPMed 0.00001; ExAC 0.00003; gnomAD exomes 0.00004.

Submissions (2):

Labcorp Genetics (formerly Invitae), Labcorp
Classification: Uncertain significance for Hereditary spastic paraplegia 43. Last evaluated: 2024-05-29. Review status: criteria provided, single submitter. Criteria: Invitae Variant Classification Sherloc (09022015). Collection method: clinical testing. Allele origin: germline.
Comment: This sequence change replaces proline, which is neutral and non-polar, with arginine, which is basic and polar, at codon 85 of the C19orf12 protein (p.Pro85Arg). This variant is present in population databases (rs747900430, gnomAD 0.02%). This variant has not been reported in the literature in individuals affected with C19orf12-related conditions. ClinVar contains an entry for this variant (Variation ID: 1682828). An algorithm developed to predict the effect of missense changes on protein structure and function (PolyPhen-2) suggests that this variant is likely to be disruptive. In summary, the available evidence is currently insufficient to determine the role of this variant in disease. Therefore, it has been classified as a Variant of Uncertain Significance.

CeGaT Center for Human Genetics Tuebingen
Classification: Uncertain significance. Last evaluated: 2023-12-01. Review status: criteria provided, single submitter. Criteria: CeGaT Center For Human Genetics Tuebingen Variant Classification Criteria Version 2. Collection method: clinical testing. Allele origin: germline. Affected: yes. Observed: 1 variant allele.
Comment: C19orf12: PM2, PP3